The following is an entry in ClinVar:

ClinVar aggregate classification (germline): Pathogenic (1 of 4 stars; one submission).

Conditions:
Hereditary cancer-predisposing syndrome. Also called: Hereditary neoplastic syndrome; Hereditary Cancer Syndrome; Neoplastic Syndromes, Hereditary; Tumor predisposition. Identifiers: Orphanet 140162, MedGen C0027672, MeSH D009386, MONDO:0015356.

Submission:

Ambry Genetics
Classification: Pathogenic for Hereditary cancer-predisposing syndrome. Last evaluated: 2023-03-17. Review status: criteria provided, single submitter. Criteria: Ambry Variant Classification Scheme 2023. Collection method: clinical testing. Allele origin: germline.
Comment: The c.3199_3202dupTGTA pathogenic mutation, located in coding exon 15 of the BLM gene, results from a duplication of TGTA at nucleotide position 3199, causing a translational frameshift with a predicted alternate stop codon (p.K1068Mfs*2). This variant is considered to be rare based on population cohorts in the Genome Aggregation Database (gnomAD). This alteration is expected to result in loss of function by premature protein truncation or nonsense-mediated mRNA decay. As such, this alteration is interpreted as a disease-causing mutation.

NM_000057.4(BLM):c.3199_3202dup (p.Lys1068delinsMetTer)

Gene: BLM (BLM RecQ like helicase; plus strand). Cytogenetic location: 15q26.1.
Variant type: Duplication.
Coding change: c.3199_3202dup on transcript NM_000057.4 (MANE Select); coding-DNA positions 3199 to 3202, 4 bases duplicated (TGTA; older notation c.3199_3202dupTGTA).
Protein change: p.Lys1068delinsMetTer.
Molecular consequence: nonsense. On other transcripts: frameshift variant (1).
Genome position (GRCh38, 1-based): chr15:90,794,346-90,794,349, TGTA duplicated. VCF-style (leftmost placement, unchanged base first): chr15-90794345-C-CTGTA. GRCh37 (hg19) VCF-style: chr15-91337575-C-CTGTA.
Other names: c.3199_3202dup, p.Lys1068delinsMetTer (NM_001287246.2, NM_001287247.2); c.2074_2077dup, p.Lys693delinsMetTer (NM_001287248.2); c.3199_3202dupTGTA (NM_000057.2).
Identifiers: ClinVar variation 2566799 (VCV002566799.2), dbSNP rs2505525752, ClinGen allele CA2580613331.